The following is an entry in ClinVar:

ClinVar aggregate classification (germline): Uncertain significance (1 of 4 stars; one submission).

Conditions:
Marfan syndrome (MFS). Also called: MARFAN SYNDROME, TYPE I; FBN1-Related Marfan Syndrome; Marfan syndrome type 1; Marfan's syndrome; Marfan syndrome, classic. Identifiers: Orphanet 284963, Orphanet 558, MedGen C0024796, MONDO:0007947, OMIM 154700.
Familial thoracic aortic aneurysm and aortic dissection (TAAD). Also called: Thoracic aortic aneurysms and dissections. Identifiers: Orphanet 91387, MedGen C4707243, MONDO:0019625.

Submission:

Labcorp Genetics (formerly Invitae), Labcorp
Classification: Uncertain significance for Marfan syndrome; Familial thoracic aortic aneurysm and aortic dissection. Last evaluated: 2017-12-29. Review status: criteria provided, single submitter. Criteria: Invitae Variant Classification Sherloc (09022015). Collection method: clinical testing. Allele origin: germline.
Comment: This sequence change replaces leucine with proline at codon 1174 of the FBN1 protein (p.Leu1174Pro). The leucine residue is highly conserved and there is a moderate physicochemical difference between leucine and proline. This variant is not present in population databases (ExAC no frequency). This variant has not been reported in the literature in individuals with FBN1-related disease. Algorithms developed to predict the effect of missense changes on protein structure and function do not agree on the potential impact of this missense change (SIFT: "Deleterious"; PolyPhen-2: "Probably Damaging"; Align-GVGD: "Class C0"). In summary, the available evidence is currently insufficient to determine the role of this variant in disease. Therefore, it has been classified as a Variant of Uncertain Significance.

NM_000138.5(FBN1):c.3521T>C (p.Leu1174Pro)

Gene: FBN1 (fibrillin 1; minus strand). Cytogenetic location: 15q21.1.
Variant type: single nucleotide variant.
Coding change: c.3521T>C on transcript NM_000138.5 (MANE Select); coding-DNA position 3521, T replaced by C.
Protein change: p.Leu1174Pro; replaces leucine 1174 with proline.
Molecular consequence: missense variant.
Genome position (GRCh38, 1-based): chr15:48,487,143, A>G on the plus strand (T>C on the coding strand, the complement: FBN1 is on the minus strand). VCF-style: chr15-48487143-A-G. GRCh37 (hg19) VCF-style: chr15-48779340-A-G.
Other names: short protein forms L1174P.
Identifiers: ClinVar variation 457196 (VCV000457196.7), dbSNP rs1555398517, ClinGen allele CA392325144.